The following is an entry in ClinVar:

ClinVar aggregate classification (germline): Uncertain significance (1 of 4 stars; one submission).

Allele frequency attached by ClinVar (database versions not stated): gnomAD exomes 0.00001; ExAC 0.00002; TOPMed 0.00002.
gnomAD v4.1: 10 of 1,614,112 alleles (0.00062%); highest among the groups gnomAD compares: Admixed American, 0.0017%; no homozygotes.

Submission:

Labcorp Genetics (formerly Invitae), Labcorp
Classification: Uncertain significance. Last evaluated: 2024-06-17. Review status: criteria provided, single submitter. Criteria: Invitae Variant Classification Sherloc (09022015). Collection method: clinical testing. Allele origin: germline.
Comment: This sequence change replaces arginine, which is basic and polar, with glycine, which is neutral and non-polar, at codon 620 of the NIN protein (p.Arg620Gly). This variant is present in population databases (rs776446021, gnomAD 0.004%). This variant has not been reported in the literature in individuals affected with NIN-related conditions. An algorithm developed to predict the effect of missense changes on protein structure and function (PolyPhen-2) suggests that this variant is likely to be disruptive. In summary, the available evidence is currently insufficient to determine the role of this variant in disease. Therefore, it has been classified as a Variant of Uncertain Significance.

NM_020921.4(NIN):c.1858A>G (p.Arg620Gly)

Gene: NIN (ninein; minus strand). Cytogenetic location: 14q22.1.
Variant type: single nucleotide variant.
Coding change: c.1858A>G on transcript NM_020921.4 (MANE Select); coding-DNA position 1858, A replaced by G.
Protein change: p.Arg620Gly; replaces arginine 620 with glycine.
Molecular consequence: missense variant.
Genome position (GRCh38, 1-based): chr14:50,761,828, T>C on the plus strand (A>G on the coding strand, the complement: NIN is on the minus strand). VCF-style: chr14-50761828-T-C. GRCh37 (hg19) VCF-style: chr14-51228546-T-C.
Other names: c.1858A>G, p.Arg620Gly (NM_016350.5, NM_182944.3, NM_182946.2); short protein forms R620G.
Identifiers: ClinVar variation 2721606 (VCV002721606.3), dbSNP rs776446021, ClinGen allele CA7182070.